The following is an entry in ClinVar:

ClinVar aggregate classification (germline): Pathogenic (1 of 4 stars; one submission).

Conditions:
Infantile neuroaxonal dystrophy (NBIA2A). Also called: Infantile neuroaxonal dystrophy 1; NEURODEGENERATION WITH BRAIN IRON ACCUMULATION 2A; SEITELBERGER DISEASE. Identifiers: Orphanet 35069, MedGen C0270724, MONDO:0024457, OMIM 256600.

Submission:

Labcorp Genetics (formerly Invitae), Labcorp
Classification: Pathogenic for Infantile neuroaxonal dystrophy. Last evaluated: 2022-07-19. Review status: criteria provided, single submitter. Criteria: Invitae Variant Classification Sherloc (09022015). Collection method: clinical testing. Allele origin: germline.
Comment: For these reasons, this variant has been classified as Pathogenic. This variant has not been reported in the literature in individuals affected with PLA2G6-related conditions. This variant is a gross deletion of the genomic region encompassing exon(s) 5 of the PLA2G6 gene. This deletion is out-of-frame, and is expected to create a premature termination codon and result in an absent or disrupted protein product. Loss-of-function variants in PLA2G6 are known to be pathogenic (PMID: 16783378, 18570303, 18799783, 22213678).

Literature cited by the submitters: PubMed 16783378; PubMed 18570303; PubMed 18799783; PubMed 22213678.

NC_000022.10:g.(?_38535969)_(38536196_?)del

Gene: PLA2G6 (phospholipase A2 group VI; minus strand). Cytogenetic location: 22q13.1.
Variant type: Deletion.
Identifiers: ClinVar variation 2424703 (VCV002424703.4).